The following is an entry in ClinVar:

ClinVar aggregate classification (germline): Uncertain significance (1 of 4 stars; one submission).

Conditions:
Arrhythmogenic right ventricular dysplasia 10. Also called: Arrhythmogenic Right Ventricular Dysplasia/Cardiomyopathy10; ARRHYTHMOGENIC RIGHT VENTRICULAR DYSPLASIA, FAMILIAL, 10; Arrhythmogenic right ventricular dysplasia/cardiomyopathy, type 10. Identifiers: MedGen C1857777, MONDO:0012434, OMIM 610193.

Allele frequency attached by ClinVar (database versions not stated): gnomAD exomes below 0.00001 and 0.00001; ExAC 0.00002.
gnomAD v4.1: 2 of 1,613,494 alleles (0.00012%); highest among the groups gnomAD compares: Non-Finnish European, 0.00017%; no homozygotes.

Submission:

Labcorp Genetics (formerly Invitae), Labcorp
Classification: Uncertain significance for Arrhythmogenic right ventricular dysplasia 10. Last evaluated: 2022-02-05. Review status: criteria provided, single submitter. Criteria: Invitae Variant Classification Sherloc (09022015). Collection method: clinical testing. Allele origin: germline.
Comment: In summary, the available evidence is currently insufficient to determine the role of this variant in disease. Therefore, it has been classified as a Variant of Uncertain Significance. Algorithms developed to predict the effect of missense changes on protein structure and function are either unavailable or do not agree on the potential impact of this missense change (SIFT: "Deleterious"; PolyPhen-2: "Probably Damaging"; Align-GVGD: "Class C15"). ClinVar contains an entry for this variant (Variation ID: 1006083). This missense change has been observed in individuals with arrhythmogenic right ventricular cardiomyopathy (PMID: 16505173, 24070718). This variant is present in population databases (rs754405184, gnomAD 0.002%). This sequence change replaces glycine, which is neutral and non-polar, with arginine, which is basic and polar, at codon 100 of the DSG2 protein (p.Gly100Arg).

Literature cited by the submitters: PubMed 16505173; PubMed 24070718.

NM_001943.5(DSG2):c.298G>C (p.Gly100Arg)

Gene: DSG2 (desmoglein 2; plus strand). Cytogenetic location: 18q12.1.
Variant type: single nucleotide variant.
Coding change: c.298G>C on transcript NM_001943.5 (MANE Select); coding-DNA position 298, G replaced by C.
Protein change: p.Gly100Arg; replaces glycine 100 with arginine.
Molecular consequence: missense variant.
Genome position (GRCh38, 1-based): chr18:31,520,884, G>C. VCF-style: chr18-31520884-G-C. GRCh37 (hg19) VCF-style: chr18-29100847-G-C.
Other names: short protein forms G100R.
Identifiers: ClinVar variation 1006083 (VCV001006083.8), dbSNP rs754405184, ClinGen allele CA047652.